The following is an entry in ClinVar:

ClinVar aggregate classification (germline): Uncertain significance (1 of 4 stars; one submission).

Conditions:
Arthrogryposis, distal, type 1A. Also called: ARTHROGRYPOSIS MULTIPLEX CONGENITA, DISTAL, TYPE I. Identifiers: Orphanet 1146, MedGen C6022280, MONDO:0007157, OMIM 108120.

Allele frequency attached by ClinVar (database versions not stated): gnomAD exomes below 0.00001.

Submission:

Labcorp Genetics (formerly Invitae), Labcorp
Classification: Uncertain significance for Arthrogryposis, distal, type 1A. Last evaluated: 2022-02-05. Review status: criteria provided, single submitter. Criteria: Invitae Variant Classification Sherloc (09022015). Collection method: clinical testing. Allele origin: germline.
Comment: This sequence change replaces methionine, which is neutral and non-polar, with valine, which is neutral and non-polar, at codon 127 of the TPM2 protein (p.Met127Val). This variant is not present in population databases (gnomAD no frequency). This variant has not been reported in the literature in individuals affected with TPM2-related conditions. Algorithms developed to predict the effect of missense changes on protein structure and function (SIFT, PolyPhen-2, Align-GVGD) all suggest that this variant is likely to be tolerated. In summary, the available evidence is currently insufficient to determine the role of this variant in disease. Therefore, it has been classified as a Variant of Uncertain Significance.

NM_003289.4(TPM2):c.379A>G (p.Met127Val)

Gene: TPM2 (tropomyosin 2; minus strand). Cytogenetic location: 9p13.3.
Variant type: single nucleotide variant.
Coding change: c.379A>G on transcript NM_003289.4 (MANE Select); coding-DNA position 379, A replaced by G.
Protein change: p.Met127Val; replaces methionine 127 with valine.
Molecular consequence: missense variant.
Genome position (GRCh38, 1-based): chr9:35,685,547, T>C on the plus strand (A>G on the coding strand, the complement: TPM2 is on the minus strand). VCF-style: chr9-35685547-T-C. GRCh37 (hg19) VCF-style: chr9-35685544-T-C.
Other names: c.379A>G, p.Met127Val (NM_001301226.2, NM_001301227.2, NM_213674.1); short protein forms M127V.
Identifiers: ClinVar variation 1944758 (VCV001944758.2), dbSNP rs1824852204, ClinGen allele CA373367779.